The following is an entry in ClinVar:

NM_002539.3(ODC1):c.468C>T (p.Ala156=)

Gene: ODC1 (ornithine decarboxylase 1; minus strand). Cytogenetic location: 2p25.1.
Variant type: single nucleotide variant.
Coding change: c.468C>T on transcript NM_002539.3 (MANE Select); coding-DNA position 468, C replaced by T.
Protein change: p.Ala156=; no amino-acid change (alanine 156 retained).
Molecular consequence: synonymous variant.
Genome position (GRCh38, 1-based): chr2:10,443,818, G>A on the plus strand (C>T on the coding strand, the complement: ODC1 is on the minus strand). VCF-style: chr2-10443818-G-A. GRCh37 (hg19) VCF-style: chr2-10583944-G-A.
Other names: c.81C>T, p.Ala27= (NM_001287188.2); c.468C>T, p.Ala156= (NM_001287189.2, NM_001287190.2).
Identifiers: ClinVar variation 2650674 (VCV002650674.24), dbSNP rs774367424, ClinGen allele CA1527005.

ClinVar aggregate classification (germline): Likely benign (1 of 4 stars; one submission).

Allele frequency attached by ClinVar (database versions not stated): ExAC 0.00003; gnomAD 0.00003; TOPMed 0.00003.
gnomAD v4.1: 34 of 1,613,912 alleles (0.0021%); highest among the groups gnomAD compares: Admixed American, 0.0033%; no homozygotes.

Submission:

CeGaT Center for Human Genetics Tuebingen
Classification: Likely benign. Last evaluated: 2022-11-01. Review status: criteria provided, single submitter. Criteria: CeGaT Center For Human Genetics Tuebingen Variant Classification Criteria Version 2. Collection method: clinical testing. Allele origin: germline. Affected: yes. Observed: 1 variant allele.
Comment: ODC1: BP4, BP7